The following is an entry in ClinVar:

NM_001098.3(ACO2):c.467_478del (p.Thr156_Ala159del)

Gene: ACO2 (aconitase 2; plus strand). Cytogenetic location: 22q13.2.
Variant type: Deletion.
Coding change: c.467_478del on transcript NM_001098.3 (MANE Select); coding-DNA positions 467 to 478, 12 bases deleted (CTGCAGGTGCCA).
Protein change: p.Thr156_Ala159del.
Molecular consequence: inframe deletion.
Genome position (GRCh38, 1-based): chr22:41,511,910-41,511,921, CTGCAGGTGCCA deleted; deleting any 12 consecutive bases within chr22:41,511,909-41,511,921 gives the same sequence; the c. name uses the placement nearest the transcript's 3' end. VCF-style (leftmost placement, unchanged base first): chr22-41511908-AACTGCAGGTGCC-A. GRCh37 (hg19) VCF-style: chr22-41907912-AACTGCAGGTGCC-A.
Identifiers: ClinVar variation 2113411 (VCV002113411.4), dbSNP rs2518219781, ClinGen allele CA2580099833.

ClinVar aggregate classification (germline): Uncertain significance (1 of 4 stars; one submission).

Submission:

Labcorp Genetics (formerly Invitae), Labcorp
Classification: Uncertain significance. Last evaluated: 2022-04-01. Review status: criteria provided, single submitter. Criteria: Invitae Variant Classification Sherloc (09022015). Collection method: clinical testing. Allele origin: germline.
Comment: In summary, the available evidence is currently insufficient to determine the role of this variant in disease. Therefore, it has been classified as a Variant of Uncertain Significance. Experimental studies and prediction algorithms are not available or were not evaluated, and the functional significance of this variant is currently unknown. This variant has not been reported in the literature in individuals affected with ACO2-related conditions. This variant is not present in population databases (gnomAD no frequency). This variant, c.467_478del, results in the deletion of 4 amino acid(s) of the ACO2 protein (p.Thr156_Ala159del), but otherwise preserves the integrity of the reading frame.